The following is an entry in ClinVar:

ClinVar aggregate classification (germline): Conflicting classifications of pathogenicity. Review status: criteria provided, conflicting classifications (1 of 4 stars). 4 submissions from 3 submitters: Uncertain significance (2); Benign (1); Likely benign (1). Last evaluated 2025-10-29.

Conditions:
Osteogenesis imperfecta type I (OI1). Also called: Lobstein disease; OI, TYPE I; OSTEOGENESIS IMPERFECTA TARDA; OSTEOGENESIS IMPERFECTA WITH BLUE SCLERAE; Classic Non-deforming Osteogenesis Imperfecta with Blue Sclerae; Osteogenesis imperfecta type 1. Identifiers: Orphanet 216796, Orphanet 666, MedGen C0023931, MONDO:0008146, OMIM 166200. Disease mechanism: loss of function.
Ehlers-Danlos syndrome, classic type, 1 (EDSCL1). Also called: EHLERS-DANLOS SYNDROME, GRAVIS TYPE; EHLERS-DANLOS SYNDROME, SEVERE CLASSIC TYPE; Ehlers-Danlos Syndrome, Classic Type, COL5A1-Related; EDS I; Ehlers-Danlos syndrome, type 1. Identifiers: MedGen C0268335, MONDO:0019567, OMIM 130000.
Osteogenesis imperfecta (OI). Identifiers: Orphanet 666, MedGen C0029434, MeSH D010013, MONDO:0019019.
Ehlers-Danlos syndrome, arthrochalasia type, 2. Also called: EHLERS-DANLOS SYNDROME, TYPE VIIB, AUTOSOMAL DOMINANT. Identifiers: MedGen CN293783, MONDO:0040501, OMIM 617821.
Cardiovascular phenotype. Identifiers: MedGen CN230736.

Allele frequency attached by ClinVar (database versions not stated): ExAC 0.00003; gnomAD 0.00005 and 0.00001; gnomAD exomes 0.00009 and 0.00004; TOPMed 0.00001.
gnomAD v4.1: 128 of 1,613,884 alleles (0.0079%); highest among the groups gnomAD compares: East Asian, 0.28%; no homozygotes.

Submissions (4):

Labcorp Genetics (formerly Invitae), Labcorp
Classification: Uncertain significance for Osteogenesis imperfecta type I; Ehlers-Danlos syndrome, classic type, 1. Last evaluated: 2025-10-29. Review status: criteria provided, single submitter. Criteria: Invitae Variant Classification Sherloc (09022015). Collection method: clinical testing. Allele origin: germline.
Comment: This sequence change replaces serine, which is neutral and polar, with proline, which is neutral and non-polar, at codon 1295 of the COL1A2 protein (p.Ser1295Pro). This variant is present in population databases (rs757449082, gnomAD 0.05%). This missense change has been observed in individual(s) with autosomal dominant osteogenesis imperfecta (PMID: 33939306). ClinVar contains an entry for this variant (Variation ID: 360975). Invitae Evidence Modeling of protein sequence and biophysical properties (such as structural, functional, and spatial information, amino acid conservation, physicochemical variation, residue mobility, and thermodynamic stability) has been performed for this missense variant. However, the output from this modeling did not meet the statistical confidence thresholds required to predict the impact of this variant on COL1A2 protein function. In summary, the available evidence is currently insufficient to determine the role of this variant in disease. Therefore, it has been classified as a Variant of Uncertain Significance.

Ambry Genetics
Classification: Uncertain significance for Cardiovascular phenotype. Last evaluated: 2024-04-27. Review status: criteria provided, single submitter. Criteria: Ambry Variant Classification Scheme 2023. Collection method: clinical testing. Allele origin: germline.
Comment: The p.S1295P variant (also known as c.3883T>C), located in coding exon 51 of the COL1A2 gene, results from a T to C substitution at nucleotide position 3883. The serine at codon 1295 is replaced by proline, an amino acid with similar properties. This alteration has been reported in an osteogenesis imperfecta cohort (Higuchi Y et al. Mol Genet Genomic Med, 2021 Jun;9:e1675). This amino acid position is highly conserved in available vertebrate species. In addition, this alteration is predicted to be deleterious by in silico analysis. Based on the available evidence, the clinical significance of this variant remains unclear.

Illumina Laboratory Services, Illumina
Classification: Benign for Ehlers-Danlos syndrome, arthrochalasia type, 2. Last evaluated: 2018-01-13. Review status: criteria provided, single submitter. Criteria: ICSL Variant Classification Criteria 13 December 2019. Collection method: clinical testing. Allele origin: germline.
Comment: This variant was observed in the ICSL laboratory as part of a predisposition screen in an ostensibly healthy population. It had not been previously curated by ICSL or reported in the Human Gene Mutation Database (HGMD: prior to June 1st, 2018), and was therefore a candidate for classification through an automated scoring system. Utilizing variant allele frequency, disease prevalence and penetrance estimates, and inheritance mode, an automated score was calculated to assess if this variant is too frequent to cause the disease. Based on the score and internal cut-off values, a variant classified as benign is not then subjected to further curation. The score for this variant resulted in a classification of benign for this disease.

Illumina Laboratory Services, Illumina
Classification: Likely benign for Osteogenesis imperfecta. Last evaluated: 2018-01-13. Review status: criteria provided, single submitter. Criteria: ICSL Variant Classification Criteria 13 December 2019. Collection method: clinical testing. Allele origin: germline.
Comment: This variant was observed in the ICSL laboratory as part of a predisposition screen in an ostensibly healthy population. It had not been previously curated by ICSL or reported in the Human Gene Mutation Database (HGMD: prior to June 1st, 2018), and was therefore a candidate for classification through an automated scoring system. Utilizing variant allele frequency, disease prevalence and penetrance estimates, and inheritance mode, an automated score was calculated to assess if this variant is too frequent to cause the disease. Based on the score and internal cut-off values, a variant classified as likely benign is not then subjected to further curation. The score for this variant resulted in a classification of likely benign for this disease.

Literature cited by the submitters: PubMed 33939306 (cited by Labcorp Genetics (formerly Invitae), Labcorp and Ambry Genetics).

NM_000089.4(COL1A2):c.3883T>C (p.Ser1295Pro)

Gene: COL1A2 (collagen type I alpha 2 chain; plus strand). Cytogenetic location: 7q21.3.
Variant type: single nucleotide variant.
Coding change: c.3883T>C on transcript NM_000089.4 (MANE Select); coding-DNA position 3883, T replaced by C.
Protein change: p.Ser1295Pro; replaces serine 1295 with proline.
Molecular consequence: missense variant.
Genome position (GRCh38, 1-based): chr7:94,429,359, T>C. VCF-style: chr7-94429359-T-C. GRCh37 (hg19) VCF-style: chr7-94058671-T-C.
Other names: short protein forms S1295P.
Identifiers: ClinVar variation 360975 (VCV000360975.14), dbSNP rs757449082, ClinGen allele CA4347875.
Genomic context (GRCh38, chr7:94,429,359, plus strand): 5'-AGCATTGCATACATGGATGAGGAGACTGGCAACCTGAAAAAGGCTGTCATTCTACAGGGC[T>C]CTAATGATGTTGAACTTGTTGCTGAGGGCAACAGCAGGTTCACTTACACTGTTCTTGTAG-3'
Protein context (NP_000080.2, residues 1285-1305): NLKKAVILQG[Ser1295Pro]NDVELVAEGN